The following is an entry in ClinVar:

NM_005120.3(MED12):c.5659G>A (p.Gly1887Ser)

Gene: MED12 (mediator complex subunit 12; plus strand). Cytogenetic location: Xq13.1.
Variant type: single nucleotide variant.
Coding change: c.5659G>A on transcript NM_005120.3 (MANE Select); coding-DNA position 5659, G replaced by A.
Protein change: p.Gly1887Ser; replaces glycine 1887 with serine.
Molecular consequence: missense variant.
Genome position (GRCh38, 1-based): chrX:71,137,294, G>A. VCF-style: chrX-71137294-G-A. GRCh37 (hg19) VCF-style: chrX-70357144-G-A.
Other names: short protein forms G1887S.
Identifiers: ClinVar variation 381539 (VCV000381539.17), dbSNP rs758621985, ClinGen allele CA10444817.

ClinVar aggregate classification (germline): Benign/Likely benign. Review status: criteria provided, multiple submitters, no conflicts (2 of 4 stars). 4 submissions from 4 submitters: Benign (2); Likely benign (1). 1 of the submissions does not count toward it. Last evaluated 2026-01-26.

Conditions:
FG syndrome (FGS). Identifiers: MedGen C0220769, MONDO:0002010.
MED12-Related Disorders. Also called: MED12-related condition; MED12-related disorder. Identifiers: MedGen CN381102.
Familial thoracic aortic aneurysm and aortic dissection (TAAD). Also called: Thoracic aortic aneurysms and dissections. Identifiers: Orphanet 91387, MedGen C4707243, MONDO:0019625.

Allele frequency attached by ClinVar (database versions not stated): gnomAD 0.00001; gnomAD exomes 0.00002 and 0.00016; TOPMed 0.00006; ExAC 0.00021.

Submissions (4):

Labcorp Genetics (formerly Invitae), Labcorp
Classification: Benign for FG syndrome. Last evaluated: 2026-01-26. Review status: criteria provided, single submitter. Criteria: Invitae Variant Classification Sherloc (09022015). Collection method: clinical testing. Allele origin: germline.

Ambry Genetics
Classification: Likely benign for Familial thoracic aortic aneurysm and aortic dissection. Last evaluated: 2024-01-06. Review status: criteria provided, single submitter. Criteria: Ambry Variant Classification Scheme 2023. Collection method: clinical testing. Allele origin: germline.

GeneDx
Classification: Benign. Last evaluated: 2020-09-17. Review status: criteria provided, single submitter. Criteria: GeneDx Variant Classification Process June 2021. Collection method: clinical testing. Allele origin: germline. Affected: yes.

PreventionGenetics, part of Exact Sciences
Classification: Likely benign for MED12-related condition. Last evaluated: 2024-08-05. Review status: no assertion criteria provided. Collection method: clinical testing. Allele origin: germline. Not counted in ClinVar's aggregate classification.
Comment: This variant is classified as likely benign based on ACMG/AMP sequence variant interpretation guidelines (Richards et al. 2015 PMID: 25741868, with internal and published modifications).